The following is an entry in ClinVar:

NM_000090.4(COL3A1):c.2842G>A (p.Gly948Arg)

Gene: COL3A1 (collagen type III alpha 1 chain; plus strand). Cytogenetic location: 2q32.2.
Variant type: single nucleotide variant.
Coding change: c.2842G>A on transcript NM_000090.4 (MANE Select); coding-DNA position 2842, G replaced by A.
Protein change: p.Gly948Arg; replaces glycine 948 with arginine.
Molecular consequence: missense variant.
Genome position (GRCh38, 1-based): chr2:189,004,275, G>A. VCF-style: chr2-189004275-G-A. GRCh37 (hg19) VCF-style: chr2-189869001-G-A.
Identifiers: ClinVar variation 101136 (VCV000101136.3), dbSNP rs587779447, ClinGen allele CA005748.
Genomic context (GRCh38, chr2:189,004,275, plus strand): 5'-CTGTCACATAAAGATGAGCTAAGTCTTCATTATCTGTATTAGGGAGCTCCAGGCCCACTT[G>A]GGATTGCTGGGATCACTGGAGCACGGGGTCTTGCAGGACCACCAGGCATGCCAGGTCCTA-3'
Protein context (NP_000081.2, residues 938-958): QGPPGAPGPL[Gly948Arg]IAGITGARGL

ClinVar aggregate classification (germline): Likely pathogenic. Review status: criteria provided, single submitter (1 of 4 stars). 2 submissions from 2 submitters: Likely pathogenic (1). 1 of the submissions does not count toward it. Last evaluated 2025-10-16.

Conditions:
Familial thoracic aortic aneurysm and aortic dissection (TAAD). Also called: Thoracic aortic aneurysms and dissections. Identifiers: Orphanet 91387, MedGen C4707243, MONDO:0019625.
Ehlers-Danlos syndrome, type 4 (EDSVASC). Also called: Ehlers-Danlos syndrome vascular type; Ehlers Danlos syndrome, ecchymotic type; Ehlers Danlos syndrome, arterial type; Ehlers Danlos syndrome, Sack-Barabas type; Ehlers-Danlos Syndrome Type IV. Identifiers: Orphanet 286, MedGen C0268338, MONDO:0017314, OMIM 130050.

Submissions (2):

Ambry Genetics
Classification: Likely pathogenic for Familial thoracic aortic aneurysm and aortic dissection. Last evaluated: 2025-10-16. Review status: criteria provided, single submitter. Criteria: Ambry Variant Classification Scheme 2023. Collection method: clinical testing. Allele origin: germline.
Comment: The p.G948R variant (also known as c.2842G>A), located in coding exon 40 of the COL3A1 gene, results from a G to A substitution at nucleotide position 2842. The glycine at codon 948 is replaced by arginine, an amino acid with dissimilar properties. The majority (approximately two-thirds) ofCOL3A1mutations identified to date have involved the substitution of another amino acid for glycine within the triple-helical domain (PepinMG et al.GenetMed.2014;16(12):881-8; Frank M et al.Eur J Hum Genet. 2015;23(12):1657-64). Internal structural analysis indicates that this alteration disrupts the characteristic G-X-Y motif in theCOL3A1protein and inserts a bulky side chain into asterically-constrainedregion (Bella J et al.Science.1994;266:75-81;HohenesterE et al.Proc. Natl.Acad. Sci. U.S.A.2008;105:18273-7; Ambry internal data). This variant was reported in individual(s) with features consistent with COL3A1-related Ehlers-Danlos syndrome (Kerwin W et al. Int J Cardiovasc Imaging, 2008 Jun;24:519-28). This variant is considered to be rare based on population cohorts in the Genome Aggregation Database (gnomAD). This amino acid position is highly conserved in available vertebrate species. In addition, this alteration is predicted to be deleterious by in silico analysis. Based on the majority of available evidence to date, this variant is likely to be pathogenic.

Collagen Diagnostic Laboratory, University of Washington
Classification: Pathogenic for Ehlers-Danlos syndrome, type 4. Review status: no assertion criteria provided. Collection method: clinical testing. Allele origin: germline. Affected: yes. Not counted in ClinVar's aggregate classification.

Literature cited by the submitters: PubMed 18043893 (cited by Ambry Genetics and Collagen Diagnostic Laboratory, University of Washington).